The following is an entry in ClinVar:

NM_201384.3(PLEC):c.2414dup (p.Arg806fs)

Gene: PLEC (plectin; minus strand). Cytogenetic location: 8q24.3.
Variant type: Duplication.
Coding change: c.2414dup on transcript NM_201384.3 (MANE Select); coding-DNA position 2414, one base duplicated (G; older notation c.2414dupG).
Protein change: p.Arg806fs; shifts the reading frame from arginine 806.
Molecular consequence: frameshift variant.
Genome position (GRCh38, 1-based): chr8:143,930,427, C duplicated on the plus strand (G on the coding strand, the reverse complement: PLEC is on the minus strand); the first of 4 consecutive C bases (chr8:143,930,427-143,930,430); duplicating any one gives the same sequence. VCF-style (leftmost placement, unchanged base first): chr8-143930426-G-GC. GRCh37 (hg19) VCF-style: chr8-145004594-G-GC.
Other names: c.2495dup, p.Arg833fs (NM_000445.5); c.2372dup, p.Arg792fs (NM_201378.4); c.2348dup, p.Arg784fs (NM_201379.3); c.2825dup, p.Arg943fs (NM_201380.4); c.2318dup, p.Arg774fs (NM_201381.3); c.2414dup, p.Arg806fs (NM_201382.4); c.2426dup, p.Arg810fs (NM_201383.3); short protein forms R792fs, R774fs, R806fs, R810fs, R833fs, R784fs, R943fs.
Identifiers: ClinVar variation 817246 (VCV000817246.1), dbSNP rs1587035726, ClinGen allele CA915947427.

ClinVar aggregate classification (germline): Pathogenic (1 of 4 stars; one submission).

Submission:

GeneDx
Classification: Pathogenic. Last evaluated: 2019-05-21. Review status: criteria provided, single submitter. Criteria: GeneDx Variant Classification (06012015). Collection method: clinical testing. Allele origin: germline. Affected: yes.
Comment: The c.2495dupG variant in the PLEC gene has not been reported previously as a pathogenic variant nor as a benign variant, to our knowledge. This variant causes a frameshift starting with codon Arginine 833, changes this amino acid to a Proline residue, and creates a premature Stop codon at position 11 of the new reading frame, denoted p.Arg833ProfsX11. The c.2495dupG variant is predicted to cause loss of normal protein function either through protein truncation or nonsense-mediated mRNA decay. This variant is not observed in large population cohorts (Lek et al., 2016). We interpret c.2495dupG as a pathogenic variant.